The following is an entry in ClinVar:

ClinVar aggregate classification (germline): Likely pathogenic. Review status: criteria provided, multiple submitters, no conflicts (2 of 4 stars). 4 submissions from 3 submitters: Likely pathogenic (4). Last evaluated 2023-04-11.

Conditions:
Malignant hyperthermia, susceptibility to, 5 (MHS5). Also called: CACNA1S-Related Malignant Hyperthermia Susceptibility. Identifiers: Orphanet 423, MedGen C1866077, MONDO:0011163, OMIM 601887.
Hypokalemic periodic paralysis, type 1. Also called: HypoPP; Hypokalemic Periodic Paralysis Type 1 (AD). Identifiers: Orphanet 681, MedGen C3714580, MONDO:0042979, OMIM 170400.

Submissions (4):

Genome-Nilou Lab
Classification: Likely pathogenic for Malignant hyperthermia, susceptibility to, 5. Last evaluated: 2023-04-11. Review status: criteria provided, single submitter. Criteria: ACMG Guidelines, 2015. Collection method: clinical testing. Allele origin: germline. Affected: no.

Genome-Nilou Lab
Classification: Likely pathogenic for Hypokalemic periodic paralysis, type 1. Last evaluated: 2023-04-11. Review status: criteria provided, single submitter. Criteria: ACMG Guidelines, 2015. Collection method: clinical testing. Allele origin: germline. Affected: no.

Labcorp Genetics (formerly Invitae), Labcorp
Classification: Likely pathogenic for Hypokalemic periodic paralysis, type 1; Malignant hyperthermia, susceptibility to, 5. Last evaluated: 2022-07-06. Review status: criteria provided, single submitter. Criteria: Invitae Variant Classification Sherloc (09022015). Collection method: clinical testing. Allele origin: germline.
Comment: In summary, the currently available evidence indicates that the variant is pathogenic, but additional data are needed to prove that conclusively. Therefore, this variant has been classified as Likely Pathogenic. Algorithms developed to predict the effect of sequence changes on RNA splicing suggest that this variant may disrupt the consensus splice site. ClinVar contains an entry for this variant (Variation ID: 567328). This variant has not been reported in the literature in individuals affected with CACNA1S-related conditions. This variant is not present in population databases (gnomAD no frequency). This sequence change affects a donor splice site in intron 33 of the CACNA1S gene. It is expected to disrupt RNA splicing. Variants that disrupt the donor or acceptor splice site typically lead to a loss of protein function (PMID: 16199547), and loss-of-function variants in CACNA1S are known to be pathogenic (PMID: 26247046, 28012042).

Revvity Omics, Revvity
Classification: Likely pathogenic. Last evaluated: 2021-09-10. Review status: criteria provided, single submitter. Criteria: ACMG Guidelines, 2015. Collection method: clinical testing. Allele origin: germline.

Literature cited by the submitters: PubMed 16199547 (cited by Labcorp Genetics (formerly Invitae), Labcorp); PubMed 26247046 (cited by Labcorp Genetics (formerly Invitae), Labcorp); PubMed 28012042 (cited by Labcorp Genetics (formerly Invitae), Labcorp).

NM_000069.3(CACNA1S):c.4113+1G>C

Gene: CACNA1S (calcium voltage-gated channel subunit alpha1 S; minus strand). Cytogenetic location: 1q32.1.
Variant type: single nucleotide variant.
Coding change: c.4113+1G>C on transcript NM_000069.3 (MANE Select); the canonical splice donor site of the intron after coding-DNA position 4113, G replaced by C.
Molecular consequence: splice donor variant.
Genome position (GRCh38, 1-based): chr1:201,050,983, C>G on the plus strand (G>C on the coding strand, the complement: CACNA1S is on the minus strand). VCF-style: chr1-201050983-C-G. GRCh37 (hg19) VCF-style: chr1-201020111-C-G.
Identifiers: ClinVar variation 567328 (VCV000567328.12), dbSNP rs1558056376, ClinGen allele CA344149424.